The following is an entry in ClinVar:

NM_001267550.2(TTN):c.35630-1G>A

Gene: TTN (titin; minus strand). Cytogenetic location: 2q31.2.
Variant type: single nucleotide variant.
Coding change: c.35630-1G>A on transcript NM_001267550.2 (MANE Select); the canonical splice acceptor site of the intron before coding-DNA position 35630, G replaced by A.
Molecular consequence: splice acceptor variant. On other transcripts: intron variant (5).
Genome position (GRCh38, 1-based): chr2:178,667,526, C>T on the plus strand (G>A on the coding strand, the complement: TTN is on the minus strand). VCF-style: chr2-178667526-C-T. GRCh37 (hg19) VCF-style: chr2-179532253-C-T.
Other names: c.13283-25209G>A (NM_003319.4); c.13859-25209G>A (NM_133437.4); c.13658-25209G>A (NM_133432.3); c.31483+2692G>A (NM_133378.4); c.34264+2692G>A (NM_001256850.1).
Identifiers: ClinVar variation 2944865 (VCV002944865.3), dbSNP rs2154262004, ClinGen allele CA349509502.

ClinVar aggregate classification (germline): Likely pathogenic (1 of 4 stars; one submission).

Conditions:
Dilated cardiomyopathy 1G (CMD1G). Identifiers: Orphanet 154, MedGen C1858763, MONDO:0011400, OMIM 604145.
Autosomal recessive limb-girdle muscular dystrophy type 2J (LGMDR10). Also called: Limb-girdle muscular dystrophy, type 2J; MUSCULAR DYSTROPHY, LIMB-GIRDLE, AUTOSOMAL RECESSIVE 10. Identifiers: Orphanet 140922, MedGen C1837342, MONDO:0012127, OMIM 608807.

gnomAD v4.1: 3 of 1,596,300 alleles (0.00019%); highest among the groups gnomAD compares: Non-Finnish European, 0.00025%; no homozygotes.

Submission:

Labcorp Genetics (formerly Invitae), Labcorp
Classification: Likely pathogenic for Dilated cardiomyopathy 1G; Autosomal recessive limb-girdle muscular dystrophy type 2J. Last evaluated: 2024-10-18. Review status: criteria provided, single submitter. Criteria: Invitae Variant Classification Sherloc (09022015). Collection method: clinical testing. Allele origin: germline.
Comment: This sequence change affects an acceptor splice site in intron 160 of the TTN gene. It is expected to disrupt RNA splicing and likely results in a truncated or disrupted TTN protein. This variant is not present in population databases (gnomAD no frequency). This variant has not been reported in the literature in individuals affected with TTN-related conditions. Algorithms developed to predict the effect of sequence changes on RNA splicing suggest that this variant may disrupt the consensus splice site. This variant is located in the I band of TTN (PMID: 25589632). Truncating variants in this region have been reported in individuals affected with autosomal recessive centronuclear myopathy (PMID: 23975875, internal data). Truncating variants in this region have also been identified in individuals affected with autosomal dominant dilated cardiomyopathy and/or cardio-related conditions (PMID: 27869827, 32964742, internal data). In summary, the currently available evidence indicates that the variant is pathogenic, but additional data are needed to prove that conclusively. Therefore, this variant has been classified as Likely Pathogenic.

Literature cited by the submitters: PubMed 25589632; PubMed 23975875; PubMed 27869827; PubMed 32964742.